The following is an entry in ClinVar:

NM_001130987.2(DYSF):c.3667_3673del (p.Phe1223fs)

Gene: DYSF (dysferlin; plus strand). Cytogenetic location: 2p13.2.
Variant type: Deletion.
Coding change: c.3667_3673del on transcript NM_001130987.2 (MANE Select); coding-DNA positions 3667 to 3673, 7 bases deleted (TTCTACG; older notation c.3667_3673delTTCTACG).
Protein change: p.Phe1223fs; shifts the reading frame from phenylalanine 1223.
Molecular consequence: frameshift variant.
Genome position (GRCh38, 1-based): chr2:71,598,656-71,598,662, TTCTACG deleted. VCF-style (leftmost placement, unchanged base first): chr2-71598655-CTTCTACG-C. GRCh37 (hg19) VCF-style: chr2-71825785-CTTCTACG-C.
Other names: c.3664_3670del, p.Phe1222fs (NM_001130981.2, NM_001130980.2); c.3709_3715del, p.Phe1237fs (NM_001130982.2); c.3616_3622del, p.Phe1206fs (NM_001130983.2, NM_001130455.2); c.3574_3580del, p.Phe1192fs (NM_001130984.2, NM_001130986.2); c.3667_3673del, p.Phe1223fs (NM_001130985.2); c.3613_3619del, p.Phe1205fs (NM_003494.4, NM_001130978.2); c.3571_3577del, p.Phe1191fs (NM_001130976.2, NM_001130977.2); c.3706_3712del, p.Phe1236fs (NM_001130979.2); short protein forms F1191fs, F1192fs, F1205fs, F1206fs, F1222fs, F1223fs, F1236fs, F1237fs.
Identifiers: ClinVar variation 1724068 (VCV001724068.3), dbSNP rs2546046409, ClinGen allele CA2580067772.
Genomic context (GRCh38, chr2:71,598,655, plus strand): 5'-GAGCCAGAAGACGGTGGTGGTGAAGAACACCCTTAACCCCACCTGGGACCAGACGCTCAT[CTTCTACG>C]AGATCGAGATCTTTGGCGAGCCGGCCACAGTTGCTGAGCAACCGCCCAGCATTGTGGTGG-3'

ClinVar aggregate classification (germline): Likely pathogenic (1 of 4 stars; one submission).

Conditions:
Autosomal recessive limb-girdle muscular dystrophy. Identifiers: Orphanet 102015, MedGen C2931907, MONDO:0015152.

Submission:

Myriad Genetics, Inc.
Classification: Likely pathogenic for Autosomal recessive limb-girdle muscular dystrophy. Last evaluated: 2022-01-24. Review status: criteria provided, single submitter. Criteria: Myriad Autosomal Dominant, Autosomal Recessive and X-Linked Classification Criteria (2023). Collection method: clinical testing. Allele origin: unknown.
Comment: NM_003494.3(DYSF):c.3613_3619del7(F1205Rfs*54) is expected to be pathogenic in the context of dysferlinopathy. This variant is predicted to lead to an abnormal or absent protein product due to the creation of a premature termination codon in DYSF, a gene where loss-of-function variants are known to be pathogenic. Please note: this variant was assessed in the context of healthy population screening.